The following is an entry in ClinVar:

NM_003041.4(SLC5A2):c.1451G>A (p.Gly484Asp)

Gene: SLC5A2 (solute carrier family 5 member 2; plus strand). Cytogenetic location: 16p11.2.
Variant type: single nucleotide variant.
Coding change: c.1451G>A on transcript NM_003041.4 (MANE Select); coding-DNA position 1451, G replaced by A.
Protein change: p.Gly484Asp; replaces glycine 484 with aspartic acid.
Molecular consequence: missense variant. On other transcripts: non-coding transcript variant (1).
Genome position (GRCh38, 1-based): chr16:31,489,124, G>A. VCF-style: chr16-31489124-G-A. GRCh37 (hg19) VCF-style: chr16-31500445-G-A.
Other names: short protein forms G484D.
Identifiers: ClinVar variation 438656 (VCV000438656.3), dbSNP rs1309307492, ClinGen allele CA395755458.

ClinVar aggregate classification (germline): Likely pathogenic. Review status: criteria provided, single submitter (1 of 4 stars). 2 submissions from 2 submitters: Likely pathogenic (1). 1 of the submissions does not count toward it. Last evaluated 2023-12-05.

Conditions:
Familial renal glucosuria (GLYS). Also called: RENAL GLUCOSURIA, AUTOSOMAL DOMINANT; Familial renal glycosuria. Identifiers: Orphanet 69076, MedGen C3245525, MONDO:0009297, OMIM 233100.

Allele frequency attached by ClinVar (database versions not stated): TOPMed 0.00001.
gnomAD v4.1: 1 of 1,607,960 alleles (0.000062%); no homozygotes.

Submissions (2):

MVZ Medizinische Genetik Mainz
Classification: Likely pathogenic for Familial renal glucosuria. Last evaluated: 2023-12-05. Review status: criteria provided, single submitter. Criteria: UK Practice Guidelines For Variant Classification V4 01 2020. Collection method: clinical testing. Allele origin: germline. Inheritance: Autosomal dominant inheritance. Affected: yes. Observed: 1 variant allele.
Comment: ACMG Criteria: PP3_STR,PM2_SUP,PP4

Bioscientia Institut fuer Medizinische Diagnostik GmbH, Sonic Healthcare
Classification: Likely pathogenic for Familial renal glucosuria. Last evaluated: 2017-04-20. Review status: no assertion criteria provided. Collection method: clinical testing. Allele origin: germline. Affected: yes. Not counted in ClinVar's aggregate classification.